The following is an entry in ClinVar:

NM_003801.4(GPAA1):c.848C>T (p.Pro283Leu)

Gene: GPAA1 (glycosylphosphatidylinositol anchor attachment 1; plus strand). Cytogenetic location: 8q24.3.
Variant type: single nucleotide variant.
Coding change: c.848C>T on transcript NM_003801.4 (MANE Select); coding-DNA position 848, C replaced by T.
Protein change: p.Pro283Leu; replaces proline 283 with leucine.
Molecular consequence: missense variant.
Genome position (GRCh38, 1-based): chr8:144,084,447, C>T. VCF-style: chr8-144084447-C-T. GRCh37 (hg19) VCF-style: chr8-145139350-C-T.
Other names: short protein forms P283L.
Identifiers: ClinVar variation 1366307 (VCV001366307.5), dbSNP rs781883340, ClinGen allele CA4932954.

ClinVar aggregate classification (germline): Uncertain significance (1 of 4 stars; one submission).

Allele frequency attached by ClinVar (database versions not stated): gnomAD 0.00001; TOPMed 0.00001; ExAC 0.00002; gnomAD exomes 0.00002 and 0.00003.

Submission:

Labcorp Genetics (formerly Invitae), Labcorp
Classification: Uncertain significance. Last evaluated: 2021-08-24. Review status: criteria provided, single submitter. Criteria: Invitae Variant Classification Sherloc (09022015). Collection method: clinical testing. Allele origin: germline.
Comment: This sequence change replaces proline with leucine at codon 283 of the GPAA1 protein (p.Pro283Leu). The proline residue is moderately conserved and there is a moderate physicochemical difference between proline and leucine. This variant is present in population databases (rs781883340, ExAC 0.01%). This variant has not been reported in the literature in individuals affected with GPAA1-related conditions. Algorithms developed to predict the effect of missense changes on protein structure and function (SIFT, PolyPhen-2, Align-GVGD) all suggest that this variant is likely to be tolerated. In summary, the available evidence is currently insufficient to determine the role of this variant in disease. Therefore, it has been classified as a Variant of Uncertain Significance.